The following is an entry in ClinVar:

ClinVar aggregate classification (germline): Uncertain significance (1 of 4 stars; one submission).

Conditions:
Hereditary cancer-predisposing syndrome. Also called: Hereditary neoplastic syndrome; Neoplastic Syndromes, Hereditary; Tumor predisposition; Hereditary Cancer Syndrome. Identifiers: Orphanet 140162, MedGen C0027672, MeSH D009386, MONDO:0015356.

Submission:

Ambry Genetics
Classification: Uncertain significance for Hereditary cancer-predisposing syndrome. Last evaluated: 2025-08-27. Review status: criteria provided, single submitter. Criteria: Ambry Variant Classification Scheme 2023. Collection method: clinical testing. Allele origin: germline.
Comment: The p.S320P variant (also known as c.958T>C), located in coding exon 11 of the MUTYH gene, results from a T to C substitution at nucleotide position 958. The serine at codon 320 is replaced by proline, an amino acid with similar properties. This amino acid position is conserved. In addition, this alteration is predicted to be tolerated by in silico analysis. Based on the available evidence, the clinical significance of this variant remains unclear.

NM_001048174.2(MUTYH):c.874T>C (p.Ser292Pro)

Gene: MUTYH (mutY DNA glycosylase; minus strand). Cytogenetic location: 1p34.1.
Variant type: single nucleotide variant.
Coding change: c.874T>C on transcript NM_001048174.2 (MANE Select); coding-DNA position 874, T replaced by C.
Protein change: p.Ser292Pro; replaces serine 292 with proline.
Molecular consequence: missense variant. On other transcripts: non-coding transcript variant (7).
Genome position (GRCh38, 1-based): chr1:45,332,062, A>G on the plus strand (T>C on the coding strand, the complement: MUTYH is on the minus strand). VCF-style: chr1-45332062-A-G. GRCh37 (hg19) VCF-style: chr1-45797734-A-G.
Other names: c.529T>C, p.Ser177Pro (NM_001350650.2, NM_001350651.2, NM_001407082.1); c.874T>C, p.Ser292Pro (NM_001407081.1, NM_001407088.1, NM_001407089.1 and 6 more transcripts); c.916T>C, p.Ser306Pro (NM_001407083.1, NM_001407085.1); c.877T>C, p.Ser293Pro (NM_001407086.1, NM_001048172.2, NM_001407071.1 and 1 more transcripts); c.895T>C, p.Ser299Pro (NM_001407087.1); c.598T>C, p.Ser200Pro (NM_001407091.1, NM_001293192.2, NM_001293196.2); c.958T>C, p.Ser320Pro (NM_001128425.2); c.919T>C, p.Ser307Pro (NM_001293190.2); and 5 more; short protein forms S299P, S303P, S306P, S307P, S264P, S278P, S292P, S293P.
Identifiers: ClinVar variation 4113953 (VCV004113953.1).